The following is an entry in ClinVar:

ClinVar aggregate classification (germline): Benign. Review status: criteria provided, multiple submitters, no conflicts (2 of 4 stars). 2 submissions from 2 submitters: Benign (2). Last evaluated 2016-03-28.

Allele frequency attached by ClinVar (database versions not stated): gnomAD 0.00996; gnomAD exomes 0.26663; ExAC 0.33744.

Submissions (2):

Laboratory for Molecular Medicine, Mass General Brigham Personalized Medicine
Classification: Benign. Last evaluated: 2016-03-28. Review status: criteria provided, single submitter. Criteria: LMM Criteria. Collection method: clinical testing. Allele origin: germline.
Comment: Variant identified in a genome or exome case(s) and assessed due to predicted null impact of the variant or pathogenic assertions in the literature or databases. Disclaimer: This variant has not undergone full assessment. The following are preliminary notes: ExAC frequency

Breakthrough Genomics
Classification: Benign. Review status: criteria provided, single submitter. Criteria: ACMG Guidelines, 2015. Collection method: not provided. Allele origin: germline. Inheritance: Unknown mechanism. Affected: yes.

NM_001244753.2(FCGR3B):c.316A>G (p.Ile106Val)

Gene: FCGR3B (Fc gamma receptor IIIb; minus strand). Cytogenetic location: 1q23.3.
Variant type: single nucleotide variant.
Coding change: c.316A>G on transcript NM_001244753.2 (MANE Select); coding-DNA position 316, A replaced by G.
Protein change: p.Ile106Val; replaces isoleucine 106 with valine.
Molecular consequence: missense variant.
Genome position (GRCh38, 1-based): chr1:161,629,781, T>C on the plus strand (A>G on the coding strand, the complement: FCGR3B is on the minus strand). VCF-style: chr1-161629781-T-C. GRCh37 (hg19) VCF-style: chr1-161599571-T-C.
Other names: c.316A>G, p.Ile106Val (NM_000570.5); c.313A>G, p.Ile105Val (NM_001271035.2); c.265A>G, p.Ile89Val (NM_001271036.2, NM_001271037.2); short protein forms I106V, I105V, I89V.
Identifiers: ClinVar variation 402858 (VCV000402858.5), dbSNP rs2290834, ClinGen allele CA1212444.